The following is an entry in ClinVar:

ClinVar aggregate classification (germline): Pathogenic. Review status: criteria provided, multiple submitters, no conflicts (2 of 4 stars). 3 submissions from 3 submitters: Pathogenic (3). Last evaluated 2025-04-12.

Conditions:
Familial X-linked hypophosphatemic vitamin D refractory rickets (XLHRD). Also called: Hypophosphatemic Rickets, X-Linked Dominant; Hypophosphatemia, vitamin D-resistant rickets; Vitamin D-resistant rickets, X-linked; X-Linked Hypophosphatemia; HYPOPHOSPHATEMIC VITAMIN D-RESISTANT RICKETS. Identifiers: Orphanet 89936, MedGen C0733682, MONDO:0010619, OMIM 307800.

Submissions (3):

Labcorp Genetics (formerly Invitae), Labcorp
Classification: Pathogenic. Last evaluated: 2025-04-12. Review status: criteria provided, single submitter. Criteria: Invitae Variant Classification Sherloc (09022015). Collection method: clinical testing. Allele origin: germline.
Comment: This sequence change replaces tryptophan, which is neutral and slightly polar, with arginine, which is basic and polar, at codon 749 of the PHEX protein (p.Trp749Arg). This variant is not present in population databases (gnomAD no frequency). This missense change has been observed in individual(s) with hypophosphatemia (PMID: 9768674, 29858904; internal data). It has also been observed to segregate with disease in related individuals. ClinVar contains an entry for this variant (Variation ID: 438492). Invitae Evidence Modeling of protein sequence and biophysical properties (such as structural, functional, and spatial information, amino acid conservation, physicochemical variation, residue mobility, and thermodynamic stability) indicates that this missense variant is expected to disrupt PHEX protein function with a positive predictive value of 95%. For these reasons, this variant has been classified as Pathogenic.

CeGaT Center for Human Genetics Tuebingen
Classification: Pathogenic. Last evaluated: 2024-02-01. Review status: criteria provided, single submitter. Criteria: CeGaT Center For Human Genetics Tuebingen Variant Classification Criteria Version 2. Collection method: clinical testing. Allele origin: germline. Affected: yes. Observed: 1 variant allele.
Comment: PHEX: PS1, PM1, PM2, PS4:Moderate, PP4, PS3:Supporting

Institute of Human Genetics Munich, TUM University Hospital
Classification: Pathogenic for Familial X-linked hypophosphatemic vitamin D refractory rickets. Last evaluated: 2013-10-31. Review status: criteria provided, single submitter. Criteria: Classification criteria August 2017. Collection method: clinical testing. Allele origin: germline. Inheritance: X-linked inheritance. Affected: yes. Observed: 1 hemizygote.

Literature cited by the submitters: PubMed 9768674 (cited by Labcorp Genetics (formerly Invitae), Labcorp); PubMed 29858904 (cited by Labcorp Genetics (formerly Invitae), Labcorp).

NM_000444.6(PHEX):c.2245T>C (p.Trp749Arg)

Genes: PHEX (phosphate regulating endopeptidase X-linked; plus strand), PTCHD1-AS (PTCHD1 and PHEX antisense RNA; minus strand). Cytogenetic location: Xp22.11.
Variant type: single nucleotide variant.
Coding change: c.2245T>C on transcript NM_000444.6 (MANE Select); coding-DNA position 2245, T replaced by C.
Protein change: p.Trp749Arg; replaces tryptophan 749 with arginine.
Molecular consequence: missense variant. On other transcripts: 3 prime UTR variant (1).
Genome position (GRCh38, 1-based): chrX:22,247,948, T>C. VCF-style: chrX-22247948-T-C. GRCh37 (hg19) VCF-style: chrX-22266065-T-C.
Other names: c.*80T>C (NM_001282754.2); short protein forms W749R.
Identifiers: ClinVar variation 438492 (VCV000438492.34), dbSNP rs1556206403, ClinGen allele CA412575565.